The following is an entry in ClinVar:

NC_012920.1(MT-CO3):m.9837G>A

Gene: MT-CO3 (mitochondrially encoded cytochrome c oxidase III; plus strand).
Variant type: single nucleotide variant.
Genome position: chrM-9837-G-A.
Identifiers: ClinVar variation 693236 (VCV000693236.1), dbSNP rs1603222528, ClinGen allele CA414803819.
Genomic context (GRCh38, chrMT:9,837, plus strand): 5'-GGCATCTACGGCTCAACATTTTTTGTAGCCACAGGCTTCCACGGACTTCACGTCATTATT[G>A]GCTCAACTTTCCTCACTATCTGCTTCATCCGCCAACTAATATTTCACTTTACATCCAAAC-3'

ClinVar aggregate classification (germline): Uncertain significance (1 of 4 stars; one submission).

Conditions:
Leigh syndrome (NULS). Also called: Leigh's necrotizing encephalopathy; Leigh's disease; Leigh Syndrome (mtDNA deletion); Leigh Disease; Subacute necrotizing encephalopathy; Necrotizing encephalopathy infantile subacute of Leigh. Identifiers: Orphanet 506, MedGen C2931891, MONDO:0009723, OMIM 256000.

Submission:

Wong Mito Lab, Molecular and Human Genetics, Baylor College of Medicine
Classification: Uncertain significance for Leigh syndrome. Last evaluated: 2019-10-17. Review status: criteria provided, single submitter. Criteria: Modified ACMG Guidelines (Unpublished). Collection method: clinical testing. Allele origin: germline.
Comment: The NC_012920.1:m.9837G>A (YP_003024032.1:p.Gly211Ser) variant in MTCO3 gene is interpretated to be a Uncertain Significance variant based on the modified ACMG guidelines (unpublished). This variant meets the following evidence codes: PP7